The following is an entry in ClinVar:

NM_004104.5(FASN):c.7365C>T (p.Gly2455=)

Gene: FASN (fatty acid synthase; minus strand). Cytogenetic location: 17q25.3.
Variant type: single nucleotide variant.
Coding change: c.7365C>T on transcript NM_004104.5 (MANE Select); coding-DNA position 7365, C replaced by T.
Protein change: p.Gly2455=; no amino-acid change (glycine 2455 retained).
Molecular consequence: synonymous variant.
Genome position (GRCh38, 1-based): chr17:82,079,390, G>A on the plus strand (C>T on the coding strand, the complement: FASN is on the minus strand). VCF-style: chr17-82079390-G-A. GRCh37 (hg19) VCF-style: chr17-80037266-G-A.
Identifiers: ClinVar variation 1060314 (VCV001060314.7), dbSNP rs369165896, ClinGen allele CA8851024.

ClinVar aggregate classification (germline): Uncertain significance (1 of 4 stars; one submission).

Conditions:
Epileptic encephalopathy. Identifiers: MedGen C0543888, HP:0200134.

Allele frequency attached by ClinVar (database versions not stated): ExAC 0.00002; gnomAD exomes 0.00002; gnomAD 0.00004; TOPMed 0.00004; ESP Exome Variant Server 0.00008.
gnomAD v4.1: 38 of 1,612,880 alleles (0.0024%); highest among the groups gnomAD compares: African/African-American, 0.0093%; no homozygotes.

Submission:

Labcorp Genetics (formerly Invitae), Labcorp
Classification: Uncertain significance for Epileptic encephalopathy. Last evaluated: 2025-02-06. Review status: criteria provided, single submitter. Criteria: Invitae Variant Classification Sherloc (09022015). Collection method: clinical testing. Allele origin: germline.
Comment: This sequence change affects codon 2455 of the FASN mRNA. It is a 'silent' change, meaning that it does not change the encoded amino acid sequence of the FASN protein. This variant is present in population databases (rs369165896, gnomAD 0.006%). This variant has not been reported in the literature in individuals affected with FASN-related conditions. ClinVar contains an entry for this variant (Variation ID: 1060314). Algorithms developed to predict the effect of sequence changes on RNA splicing suggest that this variant may create or strengthen a splice site. In summary, the available evidence is currently insufficient to determine the role of this variant in disease. Therefore, it has been classified as a Variant of Uncertain Significance.